The following is an entry in ClinVar:

NM_130810.4(DNAAF4):c.354del (p.Ala119fs)

Genes: DNAAF4 (dynein axonemal assembly factor 4; minus strand), DNAAF4-CCPG1 (DNAAF4-CCPG1 readthrough (NMD candidate); minus strand). Cytogenetic location: 15q21.3.
Variant type: Deletion.
Coding change: c.354del on transcript NM_130810.4 (MANE Select); coding-DNA position 354, one base deleted (A; older notation c.354delA).
Protein change: p.Ala119fs; shifts the reading frame from alanine 119.
Molecular consequence: frameshift variant. On other transcripts: non-coding transcript variant (1).
Genome position (GRCh38, 1-based): chr15:55,491,174, T deleted on the plus strand (A on the coding strand, the reverse complement: DNAAF4 is on the minus strand); the first of 4 consecutive T bases (chr15:55,491,174-55,491,177); deleting any one gives the same sequence. VCF-style (leftmost placement, unchanged base first): chr15-55491173-CT-C. GRCh37 (hg19) VCF-style: chr15-55783371-CT-C.
Other names: c.354del, p.Ala119fs (NM_001033559.3, NM_001033560.2); short protein forms A119fs.
Identifiers: ClinVar variation 860083 (VCV000860083.7), dbSNP rs2058566495, ClinGen allele CA916083427.

ClinVar aggregate classification (germline): Pathogenic (1 of 4 stars; one submission).

Submission:

Labcorp Genetics (formerly Invitae), Labcorp
Classification: Pathogenic. Last evaluated: 2023-10-18. Review status: criteria provided, single submitter. Criteria: Invitae Variant Classification Sherloc (09022015). Collection method: clinical testing. Allele origin: germline.
Comment: This sequence change creates a premature translational stop signal (p.Ala119Leufs*12) in the DNAAF4 gene. It is expected to result in an absent or disrupted protein product. Loss-of-function variants in DNAAF4 are known to be pathogenic (PMID: 23872636). This variant is not present in population databases (gnomAD no frequency). This variant has not been reported in the literature in individuals affected with DNAAF4-related conditions. ClinVar contains an entry for this variant (Variation ID: 860083). For these reasons, this variant has been classified as Pathogenic.

Literature cited by the submitters: PubMed 23872636.